The following is an entry in ClinVar:

ClinVar aggregate classification (germline): Uncertain significance (1 of 4 stars; one submission).

Submission:

Ambry Genetics
Classification: Uncertain significance. Last evaluated: 2022-11-10. Review status: criteria provided, single submitter. Criteria: Ambry Variant Classification Scheme 2023. Collection method: clinical testing. Allele origin: germline.
Comment: The p.L179P variant (also known as c.536T>C), located in coding exon 1 of the EGLN2 gene, results from a T to C substitution at nucleotide position 536. The leucine at codon 179 is replaced by proline, an amino acid with similar properties. This amino acid position is conserved. In addition, the in silico prediction for this alteration is inconclusive. Since supporting evidence is limited at this time, the clinical significance of this alteration remains unclear.

NM_080732.4(EGLN2):c.536T>C (p.Leu179Pro)

Genes: EGLN2 (egl-9 family hypoxia inducible factor 2; plus strand), RAB4B-EGLN2 (RAB4B-EGLN2 readthrough (NMD candidate); plus strand). Cytogenetic location: 19q13.2.
Variant type: single nucleotide variant.
Coding change: c.536T>C on transcript NM_080732.4 (MANE Select); coding-DNA position 536, T replaced by C.
Protein change: p.Leu179Pro; replaces leucine 179 with proline.
Molecular consequence: missense variant. On other transcripts: non-coding transcript variant (1).
Genome position (GRCh38, 1-based): chr19:40,801,108, T>C. VCF-style: chr19-40801108-T-C. GRCh37 (hg19) VCF-style: chr19-41307013-T-C.
Other names: c.536T>C, p.Leu179Pro (NM_053046.4); short protein forms L179P.
Identifiers: ClinVar variation 2449349 (VCV002449349.2), dbSNP rs2515994592, ClinGen allele CA405955461.